The following is an entry in ClinVar:

NM_001365536.1(SCN9A):c.4727T>C (p.Val1576Ala)

Genes: SCN1A-AS1 (SCN1A and SCN9A antisense RNA 1; plus strand), SCN9A (sodium voltage-gated channel alpha subunit 9; minus strand). Cytogenetic location: 2q24.3.
Variant type: single nucleotide variant.
Coding change: c.4727T>C on transcript NM_001365536.1 (MANE Select); coding-DNA position 4727, T replaced by C.
Protein change: p.Val1576Ala; replaces valine 1576 with alanine.
Molecular consequence: missense variant.
Genome position (GRCh38, 1-based): chr2:166,204,002, A>G on the plus strand (T>C on the coding strand, the complement: SCN9A is on the minus strand). VCF-style: chr2-166204002-A-G. GRCh37 (hg19) VCF-style: chr2-167060512-A-G.
Other names: c.4694T>C, p.Val1565Ala (NM_002977.4); short protein forms V1565A, V1576A.
Identifiers: ClinVar variation 1061052 (VCV001061052.9), dbSNP rs374626800, ClinGen allele CA59788872.
Genomic context (GRCh38, chr2:166,204,002, plus strand): 5'-TAAATATTCTTACCTACAATGGAGATAATCACAACCACAAAATCAAAAATATTCCATCCT[A>G]CAGTGAAGTAGTAGTGTCTGAGGGAGATCAGTTTTAGCACACATTCTCCAGTGAAAAGGA-3'
Protein context (NP_001352465.1, residues 1566-1586): LISLRHYYFT[Val1576Ala]GWNIFDFVVV

ClinVar aggregate classification (germline): Uncertain significance (1 of 4 stars; one submission).

Conditions:
Neuropathy, hereditary sensory and autonomic, type 2A (HSAN2A). Also called: MORVAN DISEASE; NEUROPATHY, CONGENITAL SENSORY; NEUROPATHY, HEREDITARY SENSORY RADICULAR, AUTOSOMAL RECESSIVE; NEUROPATHY, HEREDITARY SENSORY, TYPE IIA; NEUROPATHY, PROGRESSIVE SENSORY, OF CHILDREN; ACROOSTEOLYSIS, GIACCAI TYPE. Identifiers: Orphanet 970, MedGen C2752089, MONDO:0024309, OMIM 201300.
Generalized epilepsy with febrile seizures plus, type 7 (GEFSP7). Also called: GEFS+, TYPE 7. Identifiers: Orphanet 36387, MedGen C2751778, MONDO:0013470, OMIM 613863.

Submission:

Labcorp Genetics (formerly Invitae), Labcorp
Classification: Uncertain significance for Neuropathy, hereditary sensory and autonomic, type 2A; Generalized epilepsy with febrile seizures plus, type 7. Last evaluated: 2025-05-27. Review status: criteria provided, single submitter. Criteria: Invitae Variant Classification Sherloc (09022015). Collection method: clinical testing. Allele origin: germline.
Comment: This sequence change replaces valine, which is neutral and non-polar, with alanine, which is neutral and non-polar, at codon 1565 of the SCN9A protein (p.Val1565Ala). This variant is not present in population databases (gnomAD no frequency). This variant has not been reported in the literature in individuals affected with SCN9A-related conditions. ClinVar contains an entry for this variant (Variation ID: 1061052). Invitae Evidence Modeling of protein sequence and biophysical properties (such as structural, functional, and spatial information, amino acid conservation, physicochemical variation, residue mobility, and thermodynamic stability) indicates that this missense variant is not expected to disrupt SCN9A protein function with a negative predictive value of 95%. In summary, the available evidence is currently insufficient to determine the role of this variant in disease. Therefore, it has been classified as a Variant of Uncertain Significance.